The following is an entry in ClinVar:

NM_001042492.3(NF1):c.5812+332A>G

Gene: NF1 (neurofibromin 1; plus strand). Cytogenetic location: 17q11.2.
Variant type: single nucleotide variant.
Coding change: c.5812+332A>G on transcript NM_001042492.3 (MANE Select); 332 bases into the intron after coding-DNA position 5812, A replaced by G.
Molecular consequence: intron variant.
Genome position (GRCh38, 1-based): chr17:31,330,830, A>G. VCF-style: chr17-31330830-A-G. GRCh37 (hg19) VCF-style: chr17-29657848-A-G.
Other names: c.5749+332A>G (NM_000267.4).
Identifiers: ClinVar variation 216065 (VCV000216065.34), dbSNP rs863224491, ClinGen allele CA336915.

ClinVar aggregate classification (germline): Pathogenic/Likely pathogenic. Review status: criteria provided, multiple submitters, no conflicts (2 of 4 stars). 17 submissions from 16 submitters: Pathogenic (15); Likely pathogenic (2). Last evaluated 2026-01-26.
ClinVar aggregate classification (oncogenicity): Likely oncogenic (1 of 4 stars; one submission).

Conditions:
NF1-related disorder. Also called: NF1-related condition. Identifiers: MedGen CN379171.
Cardiovascular phenotype. Identifiers: MedGen CN230736.
Hereditary cancer-predisposing syndrome. Also called: Neoplastic Syndromes, Hereditary; Tumor predisposition; Hereditary Cancer Syndrome; Hereditary neoplastic syndrome. Identifiers: Orphanet 140162, MedGen C0027672, MeSH D009386, MONDO:0015356.
Neurofibroma. Identifiers: Orphanet 252183, MedGen C0027830, MeSH D009455, MONDO:0016755, HP:0001067.
Neurofibromatosis, type 1 (NF1). Also called: NEUROFIBROMATOSIS, TYPE I, SOMATIC; Peripheral type neurofibromatosis; Neurofibromatosis, type I; VON RECKLINGHAUSEN DISEASE. Identifiers: Orphanet 636, MedGen C0027831, MONDO:0018975, OMIM 162200. Disease mechanism: loss of function.
Neoplasm. Also called: Neoplasms; Neoplasm (disease); tumor. Identifiers: MedGen C0027651, MeSH D009369, MONDO:0005070, HP:0002664.

Allele frequency attached by ClinVar (database versions not stated): gnomAD 0.00001.
gnomAD v4.1: 1 of 235,782 alleles (0.00042%); highest among the groups gnomAD compares: Admixed American, 0.0051%; no homozygotes.

Submissions 1 to 9 of 18:

Medical and Scientific Branch, Hong Kong Genome Institute
Classification: Pathogenic for Neurofibromatosis, type 1. Last evaluated: 2026-01-26. Review status: criteria provided, single submitter. Criteria: ACMG Guidelines, 2015. Collection method: clinical testing. Allele origin: de novo. Affected: yes.

Labcorp Genetics (formerly Invitae), Labcorp
Classification: Pathogenic for Neurofibromatosis, type 1. Last evaluated: 2026-01-10. Review status: criteria provided, single submitter. Criteria: Invitae Variant Classification Sherloc (09022015). Collection method: clinical testing. Allele origin: germline.
Comment: This sequence change falls in intron 38 of the NF1 gene. It does not directly change the encoded amino acid sequence of the NF1 protein. RNA analysis indicates that this variant induces altered splicing and may result in an absent or altered protein product. This variant is not present in population databases (gnomAD no frequency). This variant has been observed in individual(s) with neurofibromatosis type I (PMID: 8829638, 18546366). In at least one individual the variant was observed to be de novo. Invitae Evidence Modeling of clinical and family history, age, sex, and reported ancestry of multiple individuals with this NF1 variant has been performed. This variant is expected to be pathogenic with a positive predictive value of at least 99%. This is a validated machine learning model that incorporates the clinical features of 1,785,918 individuals referred to our laboratory for NF1 testing. ClinVar contains an entry for this variant (Variation ID: 216065). Variants that disrupt the consensus splice site are a relatively common cause of aberrant splicing (PMID: 17576681, 9536098). Studies have shown that this variant results in creation of a new donor splice site in intron 38 that results in two aberrant splice products, and produces a non-functional protein and/or introduces a premature termination codon (PMID: 8829638; internal data). For these reasons, this variant has been classified as Pathogenic.

Ambry Genetics
Classification: Pathogenic for Cardiovascular phenotype; Hereditary cancer-predisposing syndrome. Last evaluated: 2025-08-06. Review status: criteria provided, single submitter. Criteria: Ambry Variant Classification Scheme 2023. Collection method: clinical testing. Allele origin: germline.
Comment: The c.5749+332A>G intronic pathogenic mutation results from an A to G substitution 332 nucleotides after coding exon 38 in the NF1 gene. This mutation has been reported in multiple individuals with a clinical diagnosis or suspicion of neurofibromatosis type 1, including at least one de novo case (Perrin G et al. Hum. Mutat., 1996;7:172-5; Pros E et al. Hum Mutat, 2008 Sep;29:E173-93; Evans DG et al. EBioMedicine, 2016 May;7:212-20). In silico splice site analysis predicts that this alteration will result in the creation or strengthening of a novel splice donor site. RNA studies have demonstrated that this alteration results in insertion of a pseudoexon containing 177 nucleotides, thereby creating a premature stop codon (Perrin G et al. Hum. Mutat., 1996;7:172-5; Pros E et al. Hum Mutat, 2008 Sep;29:E173-93; Evans DG et al. EBioMedicine, 2016 May;7:212-20; Ambry internal data). This variant is considered to be rare based on population cohorts in the Genome Aggregation Database (gnomAD). Based on the supporting evidence, this alteration is interpreted as a disease-causing mutation.

Institute of Human Genetics, University of Leipzig Medical Center
Classification: Pathogenic for Neurofibromatosis, type 1. Last evaluated: 2025-07-31. Review status: criteria provided, single submitter. Criteria: ACMG Guidelines, 2015. Collection method: clinical testing. Allele origin: unknown. Inheritance: Autosomal dominant inheritance. Affected: yes.
Comment: Criteria applied: PS3_MOD,PS4_MOD,PM2_SUP,PP4

Division of Genetic & Genomic Pathology, Hong Kong Children's Hospital
Classification: Pathogenic for Neurofibromatosis, type 1. Last evaluated: 2025-07-10. Review status: criteria provided, single submitter. Criteria: ACMG Guidelines, 2015. Collection method: clinical testing. Allele origin: germline. Affected: yes.
Comment: The NF1 c.5749+332A>G variant is a deep intronic variant in intron 38 of the gene. RNA studies demonstrated that this alteration results in insertion of a pseudoexon, which is predicted to lead to frameshift and subsequent premature termination codon (PMID: 8829638, 18546366, 34782607, 36251260). This variant is present at an extremely low frequency in population databases (gnomAD v4.1.0: total 1 in 235,782 alleles in all populations). It has been deposited as pathogenic in ClinVar by seven submitters (ClinVar accession: VCV000216065.23). This variant has been reported in multiple individuals with a clinical diagnosis or suspicion of neurofibromatosis type 1, including at least two de novo cases (PMID: 8829638, 18546366, 34782607, 27322474). For these reasons, this variant is classified as pathogenic.

ARUP Laboratories, Molecular Genetics and Genomics, ARUP Laboratories
Classification: Pathogenic. Last evaluated: 2025-07-01. Review status: criteria provided, single submitter. Criteria: ARUP Molecular Germline Variant Investigation Process 2024. Collection method: clinical testing. Allele origin: germline.
Comment: The NF1 c.5812+332A>G variant (rs863224491, ClinVar Variation ID: 216065), also reported as c.5749+332A>G in transcript NM_000267.3, is described in the literature in multiple individuals affected with neurofibromatosis type 1, including in at least two individuals in which parental testing suggested a de novo origin (Douben 2022, Koster 2021, Perrin 1996, Pros 2008). This variant is absent from the Genome Aggregation Database (v2.1.1), indicating it is not a common polymorphism. This is an intronic variant in a weakly conserved nucleotide, and computational analyses (Alamut Visual Plus v.1.12) predict that this variant may impact splicing by creating a novel cryptic donor splice site. Consistent with predictions, RNA analyses of patient samples with this variant show insertion of sequences from intron 39 that introduce a premature termination codon (Douben 2022, Koster 2021, Perrin 1996, Pros 2008). Based on available information, this variant is considered to be pathogenic. References: Douben HCW et al. High-yield identification of pathogenic NF1 variants by skin fibroblast transcriptome screening after apparently normal diagnostic DNA testing. Hum Mutat. 2022 Dec;43(12):2130-2140. PMID: 36251260. Koster R et al. Pathogenic neurofibromatosis type 1 (NF1) RNA splicing resolved by targeted RNAseq. NPJ Genom Med. 2021 Nov 15;6(1):95. PMID: 34782607. Perrin G et al. Two novel mutations affecting mRNA splicing of the neurofibromatosis type 1 (NF1) gene. Hum Mutat. 1996;7(2):172-5. PMID: 8829638. Pros E et al. Nature and mRNA effect of 282 different NF1 point mutations: focus on splicing alterations. Hum Mutat. 2008 Sep;29(9):E173-93. PMID: 18546366.

Dasa
Classification: Pathogenic. Last evaluated: 2025-06-09. Review status: criteria provided, single submitter. Criteria: DASA Assertion Criteria. Collection method: clinical testing. Allele origin: germline.
Comment: NM_001042492.3(NF1):c.5812+332A>G introduces a premature termination codon predicted to result in loss of normal protein function. Loss-of-function is an established mechanism of disease for this gene. De novo occurrence has been reported in an individual with related phenotype. Functional evidence supports a deleterious effect on the gene or gene product (PMID: 19241459; PMID: 18546366; PMID: 27322474; PMID: 9180088; PMID: 17311297). This variant has been recurrently observed in individuals with related phenotype (PMID: 19241459; PMID: 18546366; PMID: 27322474; PMID: 9180088; PMID: 17311297). The variant is present at low frequency in population datasets. Based on the available data, this variant is classified as pathogenic.

PreventionGenetics, part of Exact Sciences
Classification: Pathogenic for NF1-related condition. Last evaluated: 2025-05-14. Review status: criteria provided, single submitter. Criteria: ACMG Guidelines, 2015. Collection method: clinical testing. Allele origin: germline.
Comment: The NF1 c.5812+332A>G variant is predicted to interfere with splicing. This variant, also known as c.5749+332A>G on the clinically relevant transcript (NM_000267), has been identified in individuals with clinical features consistent with neurofibromatosis type 1 (Pros et al. 2008. PubMed ID: 18546366; Perrin et al. 1996. PubMed ID: 8829638). Analysis of the impact of this deep intronic variant on RNA splicing demonstrated that this variant introduces a new splice donor site resulting in the inclusion of a cryptic exon (Pros et al. 2008. PubMed ID: 18546366; Douben et al. 2022. PubMed ID: 36251260). This variant has not been reported in a large population database (gnomAD), indicating this variant is rare. This variant is interpreted as pathogenic in ClinVar. This variant is interpreted as pathogenic.

Center for Genomic Medicine, Rigshospitalet, Copenhagen University Hospital
Classification: Likely oncogenic for Neoplasm. Last evaluated: 2025-03-04. Review status: criteria provided, single submitter. Criteria: ClinGen/CGC/VICC Guidelines for Oncogenicity, 2022. Collection method: clinical testing. Allele origin: somatic. Affected: yes.